The following is an entry in ClinVar:

ClinVar aggregate classification (germline): Uncertain significance (1 of 4 stars; one submission).

Conditions:
Polycystic kidney disease 4 (PKD4). Also called: POLYCYSTIC KIDNEY AND HEPATIC DISEASE 1; POLYCYSTIC KIDNEY DISEASE, INFANTILE, TYPE I; PKD3; Autosomal Recessive Polycystic Kidney Disease – PKHD1; POLYCYSTIC KIDNEY DISEASE 4 WITH OR WITHOUT POLYCYSTIC LIVER DISEASE. Identifiers: MedGen C4540575, MONDO:0033004, OMIM 263200.

Submission:

Neuberg Centre For Genomic Medicine, NCGM
Classification: Uncertain significance for Polycystic kidney disease 4. Review status: criteria provided, single submitter. Criteria: ACMG Guidelines, 2015. Collection method: clinical testing. Allele origin: germline. Inheritance: Autosomal recessive inheritance. Affected: yes.
Comment: The missense variant in c.8899G>A (p.Gly2967Arg) in PKHD1 gene has not been reported previously as a pathogenic variant nor as a benign variant, to our knowledge. The p.Gly2967Arg variant is novel (not in any individuals) in gnomAD Exomes and 1000 Genomes. This variant has not been reported to the ClinVar database. The amino acid Gly at position 2967 is changed to a Arg changing protein sequence and it might alter its composition and physico-chemical properties. The variant is predicted to be damaging by both SIFT and PolyPhen2. The residue is conserved across species. The amino acid change p.Gly2967Arg in PKHD1 is predicted as conserved by GERP++ and PhyloP across 100 vertebrates. For these reasons, this variant has been classified as Uncertain Significance. The above variant was not detected in the amniotic fluid sample.

NM_138694.4(PKHD1):c.8899G>A (p.Gly2967Arg)

Gene: PKHD1 (PKHD1 ciliary IPT domain containing fibrocystin/polyductin; minus strand). Cytogenetic location: 6p12.3.
Variant type: single nucleotide variant.
Coding change: c.8899G>A on transcript NM_138694.4 (MANE Select); coding-DNA position 8899, G replaced by A.
Protein change: p.Gly2967Arg; replaces glycine 2967 with arginine.
Molecular consequence: missense variant.
Genome position (GRCh38, 1-based): chr6:51,753,252, C>T on the plus strand (G>A on the coding strand, the complement: PKHD1 is on the minus strand). VCF-style: chr6-51753252-C-T. GRCh37 (hg19) VCF-style: chr6-51618050-C-T.
Other names: c.8899G>A, p.Gly2967Arg (NM_170724.3); short protein forms G2967R.
Identifiers: ClinVar variation 2585323 (VCV002585323.1), dbSNP rs2533914333, ClinGen allele CA364426791.